The following is an entry in ClinVar:

ClinVar aggregate classification (germline): Uncertain significance (1 of 4 stars; one submission).

Conditions:
de Barsy syndrome. Also called: Cutis laxa-corneal clouding-oligophrenia syndrome. Identifiers: Orphanet 2962, MedGen C0268354, MONDO:0017569.
Autosomal dominant spastic paraplegia type 9. Identifiers: MedGen C1832669, MONDO:0015091.
Cutis laxa, autosomal dominant 3 (ADCL3). Identifiers: Orphanet 90348, MedGen C4225268, MONDO:0014706, OMIM 616603.

gnomAD v4.1: 1 of 1,612,748 alleles (0.000062%); no homozygotes.

Submission:

Labcorp Genetics (formerly Invitae), Labcorp
Classification: Uncertain significance for Autosomal dominant spastic paraplegia type 9; de Barsy syndrome; Cutis laxa, autosomal dominant 3. Last evaluated: 2022-10-13. Review status: criteria provided, single submitter. Criteria: Invitae Variant Classification Sherloc (09022015). Collection method: clinical testing. Allele origin: germline.
Comment: This sequence change replaces glycine, which is neutral and non-polar, with valine, which is neutral and non-polar, at codon 9 of the ALDH18A1 protein (p.Gly9Val). In summary, the available evidence is currently insufficient to determine the role of this variant in disease. Therefore, it has been classified as a Variant of Uncertain Significance. Algorithms developed to predict the effect of missense changes on protein structure and function are either unavailable or do not agree on the potential impact of this missense change (SIFT: "Deleterious"; PolyPhen-2: "Benign"; Align-GVGD: "Class C0"). ClinVar contains an entry for this variant (Variation ID: 1408087). This variant has not been reported in the literature in individuals affected with ALDH18A1-related conditions. This variant is not present in population databases (gnomAD no frequency).

NM_002860.4(ALDH18A1):c.26G>T (p.Gly9Val)

Gene: ALDH18A1 (aldehyde dehydrogenase 18 family member A1; minus strand). Cytogenetic location: 10q24.1.
Variant type: single nucleotide variant.
Coding change: c.26G>T on transcript NM_002860.4 (MANE Select); coding-DNA position 26, G replaced by T.
Protein change: p.Gly9Val; replaces glycine 9 with valine.
Molecular consequence: missense variant. On other transcripts: 5 prime UTR variant (4).
Genome position (GRCh38, 1-based): chr10:95,653,352, C>A on the plus strand (G>T on the coding strand, the complement: ALDH18A1 is on the minus strand). VCF-style: chr10-95653352-C-A. GRCh37 (hg19) VCF-style: chr10-97413109-C-A.
Other names: c.26G>T, p.Gly9Val (NM_001017423.2, NM_001323413.2, NM_001323414.2 and 2 more transcripts); c.-93G>T (NM_001323412.2, NM_001323416.2, NM_001323418.2); c.-141G>T (NM_001323419.2); short protein forms G9V.
Identifiers: ClinVar variation 1408087 (VCV001408087.6), dbSNP rs2139670109, ClinGen allele CA377710719.